The following is an entry in ClinVar:

NM_000043.6(FAS):c.155_169dup (p.Gly56_Gln57insLeuHisHisAspGly)

Gene: FAS (Fas cell surface death receptor; plus strand). Cytogenetic location: 10q23.31.
Variant type: Duplication.
Coding change: c.155_169dup on transcript NM_000043.6 (MANE Select); coding-DNA positions 155 to 169, 15 bases duplicated (TGCATCATGATGGCC).
Protein change: p.Gly56_Gln57insLeuHisHisAspGly.
Molecular consequence: inframe insertion. On other transcripts: non-coding transcript variant (7).
Genome position (GRCh38, 1-based): chr10:89,003,153-89,003,167, TGCATCATGATGGCC duplicated; duplicating any 15 consecutive bases within chr10:89,003,149-89,003,167 gives the same sequence; the c. name uses the placement nearest the transcript's 3' end. VCF-style (leftmost placement, unchanged base first): chr10-89003148-A-AGGCCTGCATCATGAT. GRCh37 (hg19) VCF-style: chr10-90762905-A-AGGCCTGCATCATGAT.
Other names: c.155_169dup, p.Gly56_Gln57insLeuHisHisAspGly (NM_001320619.2, NM_152871.4, NM_152872.4); c.200_214dup, p.Gly71_Gln72insLeuHisHisAspGly (NM_001410956.1).
Identifiers: ClinVar variation 3017042 (VCV003017042.3), dbSNP rs775703333, ClinGen allele CA5593037.

ClinVar aggregate classification (germline): Uncertain significance (1 of 4 stars; one submission).

Conditions:
Autoimmune lymphoproliferative syndrome type 1. Also called: AUTOIMMUNE LYMPHOPROLIFERATIVE SYNDROME, TYPE I, AUTOSOMAL DOMINANT. Identifiers: Orphanet 3261, MedGen C2717884, MONDO:0011158, OMIM 601859.

Submission:

Labcorp Genetics (formerly Invitae), Labcorp
Classification: Uncertain significance for Autoimmune lymphoproliferative syndrome. Last evaluated: 2025-12-08. Review status: criteria provided, single submitter. Criteria: Invitae Variant Classification Sherloc (09022015). Collection method: clinical testing. Allele origin: germline.
Comment: This variant, c.155_169dup, results in the insertion of 5 amino acid(s) of the FAS protein (p.Leu52_Gly56dup), but otherwise preserves the integrity of the reading frame. This variant is present in population databases (rs775703333, gnomAD 0.002%). This variant has not been reported in the literature in individuals affected with FAS-related conditions. ClinVar contains an entry for this variant (Variation ID: 3017042). In summary, the available evidence is currently insufficient to determine the role of this variant in disease. Therefore, it has been classified as a Variant of Uncertain Significance.